The following is an entry in ClinVar:

NM_001378778.1(MPDZ):c.37G>A (p.Ala13Thr)

Gene: MPDZ (multiple PDZ domain crumbs cell polarity complex component; minus strand). Cytogenetic location: 9p23.
Variant type: single nucleotide variant.
Coding change: c.37G>A on transcript NM_001378778.1 (MANE Select); coding-DNA position 37, G replaced by A.
Protein change: p.Ala13Thr; replaces alanine 13 with threonine.
Molecular consequence: missense variant.
Genome position (GRCh38, 1-based): chr9:13,247,781, C>T on the plus strand (G>A on the coding strand, the complement: MPDZ is on the minus strand). VCF-style: chr9-13247781-C-T. GRCh37 (hg19) VCF-style: chr9-13247780-C-T.
Other names: c.37G>A (NM_003829.3); c.37G>A, p.Ala13Thr (NM_001261406.2, NM_001261407.2, NM_001330637.2 and 14 more transcripts); short protein forms A13T.
Identifiers: ClinVar variation 1520239 (VCV001520239.5), dbSNP rs368887536, ClinGen allele CA4988259.
Genomic context (GRCh38, chr9:13,247,781, plus strand): 5'-GTTTGTCTTCATTTGCTACATCCCCACGTTCTCGCAGCTTGGTTTGCAAGCGCTCTGCTG[C>T]ATGCAGGGCCCGATTTTTGTCTATACCAAAGAGCAGCATTTGTCAATAACAGGATTCAAA-3'
Protein context (NP_001365707.1, residues 3-23): EAIDKNRALH[Ala13Thr]AERLQTKLRE

ClinVar aggregate classification (germline): Uncertain significance. Review status: criteria provided, multiple submitters, no conflicts (2 of 4 stars). 2 submissions from 2 submitters: Uncertain significance (2). Last evaluated 2025-06-18.

Conditions:
Inborn genetic diseases. Identifiers: MedGen C0950123, MeSH D030342.

Allele frequency attached by ClinVar (database versions not stated): ExAC 0.00002; gnomAD exomes 0.00003 and 0.00009; gnomAD 0.00004 and 0.00005; TOPMed 0.00006; ESP Exome Variant Server 0.00017.
gnomAD v4.1: 135 of 1,607,948 alleles (0.0084%); highest among the groups gnomAD compares: Non-Finnish European, 0.011%; no homozygotes.

Submissions (2):

Ambry Genetics
Classification: Uncertain significance for Inborn genetic diseases. Last evaluated: 2025-06-18. Review status: criteria provided, single submitter. Criteria: Ambry Variant Classification Scheme 2023. Collection method: clinical testing. Allele origin: germline.

Labcorp Genetics (formerly Invitae), Labcorp
Classification: Uncertain significance. Last evaluated: 2022-07-12. Review status: criteria provided, single submitter. Criteria: Invitae Variant Classification Sherloc (09022015). Collection method: clinical testing. Allele origin: germline.
Comment: This sequence change replaces alanine, which is neutral and non-polar, with threonine, which is neutral and polar, at codon 13 of the MPDZ protein (p.Ala13Thr). This variant is present in population databases (rs368887536, gnomAD 0.004%). This variant has not been reported in the literature in individuals affected with MPDZ-related conditions. ClinVar contains an entry for this variant (Variation ID: 1520239). Algorithms developed to predict the effect of missense changes on protein structure and function (SIFT, PolyPhen-2, Align-GVGD) all suggest that this variant is likely to be disruptive. In summary, the available evidence is currently insufficient to determine the role of this variant in disease. Therefore, it has been classified as a Variant of Uncertain Significance.